The following is an entry in ClinVar:

NM_001083116.3(PRF1):c.1193A>G (p.His398Arg)

Gene: PRF1 (perforin 1; minus strand). Cytogenetic location: 10q22.1.
Variant type: single nucleotide variant.
Coding change: c.1193A>G on transcript NM_001083116.3 (MANE Select); coding-DNA position 1193, A replaced by G.
Protein change: p.His398Arg; replaces histidine 398 with arginine.
Molecular consequence: missense variant.
Genome position (GRCh38, 1-based): chr10:70,598,528, T>C on the plus strand (A>G on the coding strand, the complement: PRF1 is on the minus strand). VCF-style: chr10-70598528-T-C. GRCh37 (hg19) VCF-style: chr10-72358284-T-C.
Other names: c.1193A>G, p.His398Arg (NM_005041.6); short protein forms H398R.
Identifiers: ClinVar variation 4810658 (VCV004810658.1).

ClinVar aggregate classification (germline): Uncertain significance (1 of 4 stars; one submission).

Conditions:
Familial hemophagocytic lymphohistiocytosis 2 (FHL2). Also called: PRF1-Related Familial Hemophagocytic Lymphohistiocytosis (PRF1-fHLH). Identifiers: Orphanet 540, MedGen C1863727, MONDO:0011337, OMIM 603553.

Submission:

Labcorp Genetics (formerly Invitae), Labcorp
Classification: Uncertain significance for Familial hemophagocytic lymphohistiocytosis 2. Last evaluated: 2025-02-19. Review status: criteria provided, single submitter. Criteria: Invitae Variant Classification Sherloc (09022015). Collection method: clinical testing. Allele origin: germline.
Comment: This sequence change replaces histidine, which is basic and polar, with arginine, which is basic and polar, at codon 398 of the PRF1 protein (p.His398Arg). This variant is not present in population databases (gnomAD no frequency). This variant has not been reported in the literature in individuals affected with PRF1-related conditions. Invitae Evidence Modeling of protein sequence and biophysical properties (such as structural, functional, and spatial information, amino acid conservation, physicochemical variation, residue mobility, and thermodynamic stability) has been performed for this missense variant. However, the output from this modeling did not meet the statistical confidence thresholds required to predict the impact of this variant on PRF1 protein function. In summary, the available evidence is currently insufficient to determine the role of this variant in disease. Therefore, it has been classified as a Variant of Uncertain Significance.